The following is an entry in ClinVar:

ClinVar aggregate classification (germline): Uncertain significance (1 of 4 stars; one submission).

Conditions:
Intellectual disability, CASK-related, X-linked. Identifiers: MedGen CN043158.

Allele frequency attached by ClinVar (database versions not stated): gnomAD 0.00001; gnomAD exomes 0.00001.
gnomAD v4.1: 8 of 1,202,705 alleles (0.00067%); highest among the groups gnomAD compares: East Asian, 0.0089%; no homozygotes.

Submission:

Labcorp Genetics (formerly Invitae), Labcorp
Classification: Uncertain significance for Intellectual disability, CASK-related, X-linked. Last evaluated: 2022-05-11. Review status: criteria provided, single submitter. Criteria: Invitae Variant Classification Sherloc (09022015). Collection method: clinical testing. Allele origin: germline.
Comment: In summary, the available evidence is currently insufficient to determine the role of this variant in disease. Therefore, it has been classified as a Variant of Uncertain Significance. Algorithms developed to predict the effect of missense changes on protein structure and function are either unavailable or do not agree on the potential impact of this missense change (SIFT: "Deleterious"; PolyPhen-2: "Benign"; Align-GVGD: "Class C35"). This variant has not been reported in the literature in individuals affected with CASK-related conditions. This variant is not present in population databases (gnomAD no frequency). This sequence change replaces arginine, which is basic and polar, with glutamine, which is neutral and polar, at codon 639 of the CASK protein (p.Arg639Gln).

NM_001367721.1(CASK):c.1916G>A (p.Arg639Gln)

Gene: CASK (calcium/calmodulin dependent serine protein kinase; minus strand). Cytogenetic location: Xp11.4.
Variant type: single nucleotide variant.
Coding change: c.1916G>A on transcript NM_001367721.1 (MANE Select); coding-DNA position 1916, G replaced by A.
Protein change: p.Arg639Gln; replaces arginine 639 with glutamine.
Molecular consequence: missense variant.
Genome position (GRCh38, 1-based): chrX:41,553,842, C>T on the plus strand (G>A on the coding strand, the complement: CASK is on the minus strand). VCF-style: chrX-41553842-C-T. GRCh37 (hg19) VCF-style: chrX-41413095-C-T.
Other names: c.1847G>A, p.Arg616Gln (NM_001126054.3); c.1829G>A, p.Arg610Gln (NM_001126055.3); c.1898G>A, p.Arg633Gln (NM_001410745.1); c.1916G>A, p.Arg639Gln (NM_003688.4); short protein forms R616Q, R610Q, R639Q, R633Q.
Identifiers: ClinVar variation 2084524 (VCV002084524.4), dbSNP rs2065129345, ClinGen allele CA412993104.